The following is an entry in ClinVar:

NM_001042424.3(NSD2):c.2013+191_2338+471dup

Gene: NSD2 (nuclear receptor binding SET domain protein 2; plus strand). Cytogenetic location: 4p16.3.
Variant type: Duplication.
Coding change: c.2013+191_2338+471dup on transcript NM_001042424.3 (MANE Select); 191 bases into the intron after coding-DNA position 2013 through 471 bases into the intron after coding-DNA position 2338, 2,602 bases duplicated.
Molecular consequence: splice acceptor variant, splice donor variant.
Genome position (GRCh38, 1-based): chr4:1,951,394-1,953,995, 2,602 bases duplicated. GRCh37 (hg19): chr4:1,953,121-1,955,722.
Other names: c.2013+191_2338+471dup (NM_001440892.1, NM_001440894.1, NM_001440895.1 and 3 more transcripts); c.2112+191_2437+471dup (NM_001440893.1); c.1044+191_1369+471dup (NM_001440900.1, NM_001440899.1); c.2013+191_2138-1166dup (NM_001440896.1); c.1806+191_2131+471dup (NM_001440897.1, NM_001440898.1).
Identifiers: ClinVar variation 4846877 (VCV004846877.1).

ClinVar aggregate classification (germline): Likely pathogenic (1 of 4 stars; one submission).

Conditions:
Rauch-Steindl syndrome (RAUST). Identifiers: Orphanet 659642, MedGen C5562061, MONDO:0859219, OMIM 619695.

Submission:

Laboratorio de Genetica e Diagnostico Molecular, Hospital Israelita Albert Einstein
Classification: Likely pathogenic for Rauch-Steindl syndrome. Last evaluated: 2026-02-27. Review status: criteria provided, single submitter. Criteria: ACMG Guidelines, 2015. Collection method: clinical testing. Allele origin: germline. Affected: yes.
Comment: ACMG classification criteria: PVS1 very strong, PM2 supporting